The following is an entry in ClinVar:

ClinVar aggregate classification (germline): Uncertain significance (1 of 4 stars; one submission).

Conditions:
Cardiovascular phenotype. Identifiers: MedGen CN230736.

Allele frequency attached by ClinVar (database versions not stated): gnomAD exomes below 0.00001; TOPMed below 0.00001.

Submission:

Ambry Genetics
Classification: Uncertain significance for Cardiovascular phenotype. Last evaluated: 2023-05-13. Review status: criteria provided, single submitter. Criteria: Ambry Variant Classification Scheme 2023. Collection method: clinical testing. Allele origin: germline.
Comment: The p.M1020V variant (also known as c.3058A>G), located in coding exon 13 of the MYPN gene, results from an A to G substitution at nucleotide position 3058. The methionine at codon 1020 is replaced by valine, an amino acid with highly similar properties. This amino acid position is conserved. In addition, this alteration is predicted to be deleterious by in silico analysis. Since supporting evidence is limited at this time, the clinical significance of this alteration remains unclear.

NM_032578.4(MYPN):c.3058A>G (p.Met1020Val)

Genes: MYPN (myopalladin; plus strand), LOC132089829 (Neanderthal introgressed variant-containing enhancer experimental_16132; plus strand). Cytogenetic location: 10q21.3.
Variant type: single nucleotide variant.
Coding change: c.3058A>G on transcript NM_032578.4 (MANE Select); coding-DNA position 3058, A replaced by G.
Protein change: p.Met1020Val; replaces methionine 1020 with valine.
Molecular consequence: missense variant. On other transcripts: non-coding transcript variant (2).
Genome position (GRCh38, 1-based): chr10:68,194,495, A>G. VCF-style: chr10-68194495-A-G. GRCh37 (hg19) VCF-style: chr10-69954252-A-G.
Other names: c.3058A>G, p.Met1020Val (NM_001256267.2); c.2176A>G, p.Met726Val (NM_001256268.2); short protein forms M726V, M1020V.
Identifiers: ClinVar variation 2563977 (VCV002563977.2), dbSNP rs1014877683, ClinGen allele CA208222022.
Genomic context (GRCh38, chr10:68,194,495, plus strand): 5'-GGGACATGCTCTCTGCACATTGAATCCACTACCAGTGATGACGATGGCAACTACACCATC[A>G]TGGCAGCCAACCCCCAGGTGGAGACGCAGGGTTCTGCGCTGTGCTGCACTCTGAGGAAGG-3'
Protein context (NP_115967.2, residues 1010-1030): TSDDDGNYTI[Met1020Val]AANPQGRISC